The following is an entry in ClinVar:

NM_006005.3(WFS1):c.1243G>A (p.Val415Ile)

Gene: WFS1 (wolframin ER transmembrane glycoprotein; plus strand). Cytogenetic location: 4p16.1.
Variant type: single nucleotide variant.
Coding change: c.1243G>A on transcript NM_006005.3 (MANE Select); coding-DNA position 1243, G replaced by A.
Protein change: p.Val415Ile; replaces valine 415 with isoleucine.
Molecular consequence: missense variant.
Genome position (GRCh38, 1-based): chr4:6,301,038, G>A. VCF-style: chr4-6301038-G-A. GRCh37 (hg19) VCF-style: chr4-6302765-G-A.
Other names: c.1243G>A, p.Val415Ile (NM_001145853.1); short protein forms V415I.
Identifiers: ClinVar variation 1391792 (VCV001391792.11), dbSNP rs749886570, ClinGen allele CA2839281.
Genomic context (GRCh38, chr4:6,301,038, plus strand): 5'-GTCAACTTCGGCTGGAACCACCTGGAGCCCTATGCCCATTTCCTGCTCTCTGTCTTCTTC[G>A]TCATCTTCTCCTTCCCCATCGCCAGCAAGGACTGCATCCCCTGCTCGGAGCTGGCTGTCA-3'
Protein context (NP_005996.2, residues 405-425): YAHFLLSVFF[Val415Ile]IFSFPIASKD

ClinVar aggregate classification (germline): Uncertain significance. Review status: criteria provided, multiple submitters, no conflicts (2 of 4 stars). 4 submissions from 4 submitters: Uncertain significance (4). Last evaluated 2026-01-14.

Conditions:
WFS1-related disorder. Identifiers: MedGen CN379391, MONDO:0700293.
Cataract 41 (CTRCT41). Also called: CATARACT 41, CONGENITAL NUCLEAR TYPE. Identifiers: Orphanet 91492, Orphanet 98991, Orphanet 98992, Orphanet 98995, MedGen C3805412, MONDO:0007287, OMIM 116400.
Autosomal dominant nonsyndromic hearing loss 6 (LFSNHL). Also called: Autosomal dominant nonsyndromic deafness 6; DEAFNESS, AUTOSOMAL DOMINANT 6; DEAFNESS, AUTOSOMAL DOMINANT 14; DEAFNESS, AUTOSOMAL DOMINANT 38. Identifiers: Orphanet 90635, MedGen C1833021, MONDO:0010963, OMIM 600965.
Type 2 diabetes mellitus. Also called: Type II diabetes mellitus. Identifiers: MedGen C0011860, MeSH D003924, MONDO:0005148, OMIM 125853, HP:0005978.
Wolfram-like syndrome. Also called: HEARING LOSS, PROGRESSIVE, WITH OPTIC ATROPHY AND/OR IMPAIRED GLUCOSE REGULATION. Identifiers: Orphanet 411590, MedGen C3280358, MONDO:0013673, OMIM 614296.
Wolfram syndrome 1 (WFS1). Identifiers: Orphanet 3463, MedGen C4551693, MONDO:0009101, OMIM 222300.

Submissions (4):

PreventionGenetics, part of Exact Sciences
Classification: Uncertain significance for WFS1-related condition. Last evaluated: 2026-01-14. Review status: criteria provided, single submitter. Criteria: ACMG Guidelines, 2015. Collection method: clinical testing. Allele origin: germline.
Comment: The WFS1 c.1243G>A variant is predicted to result in the amino acid substitution p.Val415Ile. To our knowledge, this variant has not been reported in the literature. This variant is present in 0.015% of alleles in individuals of East Asian descent in gnomAD. At this time, the clinical significance of this variant is uncertain due to the absence of conclusive functional and genetic evidence.

Labcorp Genetics (formerly Invitae), Labcorp
Classification: Uncertain significance. Last evaluated: 2025-04-16. Review status: criteria provided, single submitter. Criteria: Invitae Variant Classification Sherloc (09022015). Collection method: clinical testing. Allele origin: germline.
Comment: This sequence change replaces valine, which is neutral and non-polar, with isoleucine, which is neutral and non-polar, at codon 415 of the WFS1 protein (p.Val415Ile). This variant is present in population databases (rs749886570, gnomAD 0.02%). This variant has not been reported in the literature in individuals affected with WFS1-related conditions. ClinVar contains an entry for this variant (Variation ID: 1391792). Invitae Evidence Modeling of protein sequence and biophysical properties (such as structural, functional, and spatial information, amino acid conservation, physicochemical variation, residue mobility, and thermodynamic stability) indicates that this missense variant is not expected to disrupt WFS1 protein function with a negative predictive value of 95%. In summary, the available evidence is currently insufficient to determine the role of this variant in disease. Therefore, it has been classified as a Variant of Uncertain Significance.

Blueprint Genetics
Classification: Uncertain significance. Last evaluated: 2024-07-15. Review status: criteria provided, single submitter. Criteria: ACMG Guidelines, 2015. Collection method: clinical testing. Allele origin: germline.

Fulgent Genetics
Classification: Uncertain significance for Cataract 41; Type 2 diabetes mellitus; Wolfram syndrome 1; Autosomal dominant nonsyndromic hearing loss 6; Wolfram-like syndrome. Last evaluated: 2024-01-05. Review status: criteria provided, single submitter. Criteria: ACMG Guidelines, 2015. Collection method: clinical testing. Allele origin: germline.